The following is an entry in ClinVar:

NM_001242882.2(NAXD):c.363G>A (p.Glu121=)

Gene: NAXD (NAD(P)HX dehydratase; plus strand). Cytogenetic location: 13q34.
Variant type: single nucleotide variant.
Coding change: c.363G>A on transcript NM_001242882.2 (MANE Select); coding-DNA position 363, G replaced by A.
Protein change: p.Glu121=; no amino-acid change (glutamic acid 121 retained).
Molecular consequence: synonymous variant. On other transcripts: non-coding transcript variant (2).
Genome position (GRCh38, 1-based): chr13:110,627,469, G>A. VCF-style: chr13-110627469-G-A. GRCh37 (hg19) VCF-style: chr13-111279816-G-A.
Other names: c.417G>A, p.Glu139= (NM_001242881.2, NM_018210.4); c.87G>A, p.Glu29= (NM_001242883.2).
Identifiers: ClinVar variation 1577481 (VCV001577481.12), dbSNP rs553217045, ClinGen allele CA7051171.

ClinVar aggregate classification (germline): Benign/Likely benign. Review status: criteria provided, multiple submitters, no conflicts (2 of 4 stars). 2 submissions from 2 submitters: Benign (1); Likely benign (1). Last evaluated 2026-01-01.

Allele frequency attached by ClinVar (database versions not stated): gnomAD 0.00001 and 0.00004; TOPMed 0.00006; gnomAD exomes 0.00011 and 0.00025; ExAC 0.00027; 1000 Genomes Project 0.00040; 1000 Genomes Project 30x 0.00062.
gnomAD v4.1: 168 of 1,614,152 alleles (0.01%); highest among the groups gnomAD compares: South Asian, 0.12%; 2 homozygotes.

Submissions (2):

CeGaT Center for Human Genetics Tuebingen
Classification: Likely benign. Last evaluated: 2026-01-01. Review status: criteria provided, single submitter. Criteria: CeGaT Center For Human Genetics Tuebingen Variant Classification Criteria Version 2. Collection method: clinical testing. Allele origin: germline. Affected: yes. Observed: 1 variant allele.
Comment: NAXD: BP4, BP7

Labcorp Genetics (formerly Invitae), Labcorp
Classification: Benign. Last evaluated: 2025-12-03. Review status: criteria provided, single submitter. Criteria: Invitae Variant Classification Sherloc (09022015). Collection method: clinical testing. Allele origin: germline.